The following is an entry in ClinVar:

ClinVar aggregate classification (germline): Uncertain significance (1 of 4 stars; one submission).

Submission:

GeneDx
Classification: Uncertain significance. Last evaluated: 2026-03-26. Review status: criteria provided, single submitter. Criteria: GeneDx Variant Classification Process June 2021. Collection method: clinical testing. Allele origin: germline.
Comment: Not observed at significant frequency in large population cohorts (gnomAD); In silico analysis supports that this missense variant has a deleterious effect on protein structure/function; Has not been previously published as pathogenic or benign to our knowledge

NM_006766.5(KAT6A):c.5719C>G (p.Pro1907Ala)

Gene: KAT6A (lysine acetyltransferase 6A; minus strand). Cytogenetic location: 8p11.21.
Variant type: single nucleotide variant.
Coding change: c.5719C>G on transcript NM_006766.5 (MANE Select); coding-DNA position 5719, C replaced by G.
Protein change: p.Pro1907Ala; replaces proline 1907 with alanine.
Molecular consequence: missense variant.
Genome position (GRCh38, 1-based): chr8:41,932,501, G>C on the plus strand (C>G on the coding strand, the complement: KAT6A is on the minus strand). VCF-style: chr8-41932501-G-C. GRCh37 (hg19) VCF-style: chr8-41790019-G-C.
Other names: short protein forms P1907A.
Identifiers: ClinVar variation 5017671 (VCV005017671.1).